The following is an entry in ClinVar:

ClinVar aggregate classification (germline): Uncertain significance (1 of 4 stars; one submission).

Conditions:
Holt-Oram syndrome (HOS). Also called: TBX5-Related Holt-Oram Syndrome; Ventriculo-radial syndrome; Cardiac-limb syndrome; Heart-hand syndrome, type 1. Identifiers: Orphanet 392, MedGen C0265264, MONDO:0007732, OMIM 142900.

Submission:

MVZ Medizinische Genetik Mainz
Classification: Uncertain significance for Holt-Oram syndrome. Last evaluated: 2024-03-01. Review status: criteria provided, single submitter. Criteria: UK Practice Guidelines For Variant Classification V4 01 2020. Collection method: clinical testing. Allele origin: germline. Inheritance: Autosomal dominant inheritance. Affected: yes. Observed: 1 variant allele.
Comment: ACMG Criteria: PP3_STR,PM2_SUP

NM_181486.4(TBX5):c.464T>C (p.Phe155Ser)

Gene: TBX5 (T-box transcription factor 5; minus strand). Cytogenetic location: 12q24.21.
Variant type: single nucleotide variant.
Coding change: c.464T>C on transcript NM_181486.4 (MANE Select); coding-DNA position 464, T replaced by C.
Protein change: p.Phe155Ser; replaces phenylalanine 155 with serine.
Molecular consequence: missense variant.
Genome position (GRCh38, 1-based): chr12:114,398,619, A>G on the plus strand (T>C on the coding strand, the complement: TBX5 is on the minus strand). VCF-style: chr12-114398619-A-G. GRCh37 (hg19) VCF-style: chr12-114836424-A-G.
Other names: c.464T>C, p.Phe155Ser (NM_000192.3); c.314T>C, p.Phe105Ser (NM_080717.4); short protein forms F105S, F155S.
Identifiers: ClinVar variation 3236341 (VCV003236341.1), dbSNP rs2540471441, ClinGen allele CA386862042.